The following is an entry in ClinVar:

ClinVar aggregate classification (germline): Pathogenic. Review status: criteria provided, multiple submitters, no conflicts (2 of 4 stars). 9 submissions from 8 submitters: Pathogenic (8). 1 of the submissions does not count toward it. Last evaluated 2024-06-18.

Conditions:
Inborn genetic diseases. Identifiers: MedGen C0950123, MeSH D030342.
Migraine, familial hemiplegic, 3. Identifiers: Orphanet 569, MedGen C1864987, MONDO:0012320, OMIM 609634.
Developmental and epileptic encephalopathy 6B. Also called: Developmental and epileptic encephalopathy 6B, non-Dravet. Identifiers: MedGen C5543353, MONDO:0030268, OMIM 619317.
Generalized epilepsy with febrile seizures plus, type 2 (GEFSP2). Also called: GEFS+, TYPE 2. Identifiers: Orphanet 36387, MedGen C1858673, MONDO:0011461, OMIM 604403.
Severe myoclonic epilepsy in infancy (DRVT). Also called: Epileptic encephalopathy, early infantile, 6 (Dravet syndrome); DEVELOPMENTAL AND EPILEPTIC ENCEPHALOPATHY 6A; Severe Myoclonic Epilepsy in Infancy (SMEI); Dravet syndrome; SEVERE MYOCLONIC EPILEPSY OF INFANCY. Identifiers: Orphanet 33069, MedGen C0751122, MONDO:0100135, OMIM 607208.
Early-infantile DEE. Also called: Ohtahara syndrome; Early infantile epileptic encephalopathy; Early infantile epileptic encephalopathy with suppression bursts. Identifiers: Orphanet 1934, MedGen C0393706, MONDO:0800491.

Submissions (9):

Labcorp Genetics (formerly Invitae), Labcorp
Classification: Pathogenic for Early-infantile DEE. Last evaluated: 2024-06-18. Review status: criteria provided, single submitter. Criteria: Invitae Variant Classification Sherloc (09022015). Collection method: clinical testing. Allele origin: germline.
Comment: This sequence change creates a premature translational stop signal (p.Arg568*) in the SCN1A gene. It is expected to result in an absent or disrupted protein product. Loss-of-function variants in SCN1A are known to be pathogenic (PMID: 17347258, 18930999). This variant is not present in population databases (gnomAD no frequency). This premature translational stop signal has been observed in individual(s) with Dravet syndrome (PMID: 12083760, 29852413). In at least one individual the variant was observed to be de novo. ClinVar contains an entry for this variant (Variation ID: 265254). For these reasons, this variant has been classified as Pathogenic.

Ambry Genetics
Classification: Pathogenic for Inborn genetic diseases. Last evaluated: 2023-06-26. Review status: criteria provided, single submitter. Criteria: Ambry Variant Classification Scheme 2023. Collection method: clinical testing. Allele origin: germline.
Comment: The c.1702C>T (p.R568*) alteration, located in exon 11 (coding exon 11) of the SCN1A gene, consists of a C to T substitution at nucleotide position 1702. This changes the amino acid from an arginine (R) to a stop codon at amino acid position 568. This alteration is expected to result in loss of function by premature protein truncation or nonsense-mediated mRNA decay. Although loss of function alterations in SCN1A have been associated with Dravet syndrome, haploinsufficiency for SCN1A has not been established as a mechanism of disease for SCN1A-related developmental and epileptic encephalopathy, SCN1A-related hemiplegic migraine, and SCN1A-related GEFS+._x000D_ _x000D_ Based on the available evidence, the SCN1A c.1702C>T (p.R568*) alteration is classified as pathogenic for Dravet syndrome; however, its clinical significance for SCN1A-related developmental and epileptic encephalopathy, SCN1A-related hemiplegic migraine, and SCN1A-related GEFS+ is uncertain. This variant was not reported in population-based cohorts in the Genome Aggregation Database (gnomAD). This alteration has been detected in the heterozygous state in multiple individuals with Dravet syndrome and was reported as de novo in at least one individual (Brunklaus, 2022; Damiano, 2020; Gertler, 2020; Gowda, 2023; Kothur, 2018; Villeneuve, 2014; Okumura 2012; Ohmori, 2008; Ohmori, 2002). Based on the available evidence, this alteration is classified as pathogenic.

Center for Genomics, Ann and Robert H. Lurie Children's Hospital of Chicago
Classification: Pathogenic for Developmental and epileptic encephalopathy 6B; Migraine, familial hemiplegic, 3; Severe myoclonic epilepsy in infancy; Generalized epilepsy with febrile seizures plus, type 2. Last evaluated: 2021-11-11. Review status: criteria provided, single submitter. Criteria: ACMG Guidelines, 2015. Collection method: clinical testing. Allele origin: germline.
Comment: SCN1A: NM_01165963 exon11 p.Arg568X (c.1702C>T): This variant has been reported in the literature in at least 1 individual with Dravet syndrome, as a de novo variant (Ohmori 2002, PMID:12083760, Ohmori 2008 PMID:18755274, Okumura 2012, PMID:22092154). This variant is not present in large control databases. This variant is present in ClinVar (Variation ID: 265254). Evolutionary conservation and computational predictive tools for this variant are limited or unavailable. In vitro functional studies for this variant are unclear (Ohmori 2008, PMID18755274). However, this variant creates a premature stop at this codon which results in an absent or abnormal protein. Loss of function variants have been reported in association with disease for this gene. In summary, this variant is classified as pathogenic based on presence of this variant as de novo in an affected individual, absence from controls and predicted impact to the protein.

CeGaT Center for Human Genetics Tuebingen
Classification: Pathogenic. Last evaluated: 2021-07-01. Review status: criteria provided, single submitter. Criteria: CeGaT Center For Human Genetics Tuebingen Variant Classification Criteria Version 2. Collection method: clinical testing. Allele origin: germline. Affected: yes. Observed: 2 variant alleles.

AiLife Diagnostics
Classification: Pathogenic. Last evaluated: 2020-05-11. Review status: criteria provided, single submitter. Criteria: ACMG Guidelines, 2015. Collection method: clinical testing. Allele origin: germline. Affected: yes. Observed: 1 variant allele.

Centre for Mendelian Genomics, University Medical Centre Ljubljana
Classification: Pathogenic for Migraine, familial hemiplegic, 3. Last evaluated: 2018-09-28. Review status: criteria provided, single submitter. Criteria: ACMG Guidelines, 2015. Collection method: clinical testing. Allele origin: unknown. Affected: yes.
Comment: This variant was classified as: Pathogenic. The following ACMG criteria were applied in classifying this variant: PVS1,PS4,PM2,PM4.

Center for Genomics, Ann and Robert H. Lurie Children's Hospital of Chicago
Classification: Pathogenic for Generalized epilepsy with febrile seizures plus, type 2; Severe myoclonic epilepsy in infancy; Migraine, familial hemiplegic, 3. Last evaluated: 2017-12-04. Review status: criteria provided, single submitter. Criteria: ACMG Guidelines, 2015. Collection method: clinical testing. Allele origin: germline.
Comment: SCN1A: NM_01165963.1 exon11 p.Arg568* (c.1702C>T): This variant has been reported in the literature in at least 1 individual with Dravet syndrome, as a de novo variant (Ohmori 2002, PMID:12083760, Ohmori 2008 PMID:18755274, Okumura 2012, PMID:22092154). This variant is not present in large control databases. This variant is present in ClinVar (Variation ID: 265254). Evolutionary conservation and computational predictive tools for this variant are limited or unavailable. In vitro functional studies for this variant are unclear (Ohmori 2008, PMID18755274). However, this variant creates a premature stop at this codon which results in an absent or abnormal protein. Loss of function variants have been reported in association with disease for this gene. In summary, this variant is classified as pathogenic based on presence of this variant as de novo in an affected individual, absence from controls and predicted impact to the protein.

GeneDx
Classification: Pathogenic. Last evaluated: 2016-10-21. Review status: criteria provided, single submitter. Criteria: GeneDx Variant Classification (06012015). Collection method: clinical testing. Allele origin: germline. Affected: yes.
Comment: The R568X nonsense variant in the SCN1A gene has been reported multiple times previously in association withSCN1A-related disorders (Ohmori et al., 2002; SCN1A Variant Database). Functional studies suggest that the R568Xvariant results in a nonfunctional Nav1.1 protein (Ohmori et al., 2008). This pathogenic variant is predicted to causeloss of normal protein function either through protein truncation or nonsense-mediated mRNA decay.

Laboratory of Medical Genetics, National & Kapodistrian University of Athens
Classification: Pathogenic for Severe myoclonic epilepsy in infancy. Last evaluated: 2020-02-19. Review status: no assertion criteria provided. Collection method: clinical testing. Allele origin: de novo. Affected: yes. Not counted in ClinVar's aggregate classification.

Literature cited by the submitters: PubMed 17347258 (cited by Labcorp Genetics (formerly Invitae), Labcorp); PubMed 18930999 (cited by Labcorp Genetics (formerly Invitae), Labcorp); PubMed 12083760 (cited by 3 submitters); PubMed 29852413 (cited by 4 submitters); PubMed 18755274 (cited by Ambry Genetics); PubMed 22092154 (cited by Ambry Genetics and AiLife Diagnostics); PubMed 24412860 (cited by Ambry Genetics); PubMed 31755124 (cited by Ambry Genetics); PubMed 31864146 (cited by Ambry Genetics); PubMed 33278787 (cited by Ambry Genetics); PubMed 35074891 (cited by Ambry Genetics); PubMed 36684540 (cited by Ambry Genetics); PubMed 25525159 (cited by AiLife Diagnostics).

NM_001165963.4(SCN1A):c.1702C>T (p.Arg568Ter)

Gene: SCN1A (sodium voltage-gated channel alpha subunit 1; minus strand). Cytogenetic location: 2q24.3.
Variant type: single nucleotide variant.
Coding change: c.1702C>T on transcript NM_001165963.4 (MANE Select); coding-DNA position 1702, C replaced by T.
Protein change: p.Arg568Ter; replaces arginine 568 with a stop codon.
Molecular consequence: nonsense. On other transcripts: 5 prime UTR variant (1), non-coding transcript variant (1).
Genome position (GRCh38, 1-based): chr2:166,044,010, G>A on the plus strand (C>T on the coding strand, the complement: SCN1A is on the minus strand). VCF-style: chr2-166044010-G-A. GRCh37 (hg19) VCF-style: chr2-166900520-G-A.
Other names: c.1702C>T, p.Arg568Ter (NM_001165964.3, NM_001202435.3, NM_001353948.2 and 7 more transcripts); c.1699C>T, p.Arg567Ter (NM_001353954.2, NM_001353955.2, NM_001353960.2); c.-724C>T (NM_001353961.2); short protein forms R568*, R567*.
Identifiers: ClinVar variation 265254 (VCV000265254.60), dbSNP rs886039430, ClinGen allele CA10588322.